The following is an entry in ClinVar:

NM_031229.4(RBCK1):c.28G>C (p.Glu10Gln)

Gene: RBCK1 (RANBP2-type and C3HC4-type zinc finger containing 1; plus strand). Cytogenetic location: 20p13.
Variant type: single nucleotide variant.
Coding change: c.28G>C on transcript NM_031229.4 (MANE Select); coding-DNA position 28, G replaced by C.
Protein change: p.Glu10Gln; replaces glutamic acid 10 with glutamine.
Molecular consequence: missense variant. On other transcripts: 5 prime UTR variant (1), non-coding transcript variant (1), intron variant (2).
Genome position (GRCh38, 1-based): chr20:409,886, G>C. VCF-style: chr20-409886-G-C. GRCh37 (hg19) VCF-style: chr20-390530-G-C.
Other names: p.Glu10Gln; c.28G>C (NM_031229.2); c.-322G>C (NM_001323956.2); c.28G>C, p.Glu10Gln (NM_001323960.2); c.41+1107G>C (NM_006462.6); c.-183+1107G>C (NM_001323958.2); short protein forms E10Q.
Identifiers: ClinVar variation 836849 (VCV000836849.9), dbSNP rs376438608, ClinGen allele CA9722864.

ClinVar aggregate classification (germline): Uncertain significance. Review status: criteria provided, multiple submitters, no conflicts (2 of 4 stars). 4 submissions from 4 submitters: Uncertain significance (4). Last evaluated 2025-02-27.

Conditions:
Inborn genetic diseases. Identifiers: MedGen C0950123, MeSH D030342.
Polyglucosan body myopathy type 1 (PGBM1). Also called: Polyglucosan body myopathy 1 with or without immunodeficiency; POLYGLUCOSAN BODY MYOPATHY WITHOUT IMMUNODEFICIENCY. Identifiers: Orphanet 329173, Orphanet 397937, MedGen C4014605, MONDO:0014389, OMIM 615895.

Allele frequency attached by ClinVar (database versions not stated): ExAC 0.00003; TOPMed 0.00005; gnomAD 0.00007; ESP Exome Variant Server 0.00008.
gnomAD v4.1: 75 of 1,613,710 alleles (0.0046%); highest among the groups gnomAD compares: Non-Finnish European, 0.0042%; no homozygotes.

Submissions (4):

Mayo Clinic Laboratories, Mayo Clinic
Classification: Uncertain significance. Last evaluated: 2025-02-27. Review status: criteria provided, single submitter. Criteria: ACMG Guidelines, 2015. Collection method: clinical testing. Allele origin: germline. Observed: 1 variant allele.
Comment: BP4

Blueprint Genetics
Classification: Uncertain significance. Last evaluated: 2024-10-23. Review status: criteria provided, single submitter. Criteria: ACMG Guidelines, 2015. Collection method: clinical testing. Allele origin: germline.

Labcorp Genetics (formerly Invitae), Labcorp
Classification: Uncertain significance for Polyglucosan body myopathy type 1. Last evaluated: 2022-09-19. Review status: criteria provided, single submitter. Criteria: Invitae Variant Classification Sherloc (09022015). Collection method: clinical testing. Allele origin: germline.
Comment: This sequence change replaces glutamic acid, which is acidic and polar, with glutamine, which is neutral and polar, at codon 10 of the RBCK1 protein (p.Glu10Gln). This variant is present in population databases (rs376438608, gnomAD 0.03%). This variant has not been reported in the literature in individuals affected with RBCK1-related conditions. ClinVar contains an entry for this variant (Variation ID: 836849). Advanced modeling of protein sequence and biophysical properties (such as structural, functional, and spatial information, amino acid conservation, physicochemical variation, residue mobility, and thermodynamic stability) performed at Invitae indicates that this missense variant is not expected to disrupt RBCK1 protein function. In summary, the available evidence is currently insufficient to determine the role of this variant in disease. Therefore, it has been classified as a Variant of Uncertain Significance.

Ambry Genetics
Classification: Uncertain significance for Inborn genetic diseases. Last evaluated: 2021-10-22. Review status: criteria provided, single submitter. Criteria: Ambry Variant Classification Scheme 2023. Collection method: clinical testing. Allele origin: germline.